The following is an entry in ClinVar:

NM_001369.3(DNAH5):c.11533_11534insA (p.Arg3845fs)

Gene: DNAH5 (dynein axonemal heavy chain 5; minus strand). Cytogenetic location: 5p15.2.
Variant type: Insertion.
Coding change: c.11533_11534insA on transcript NM_001369.3 (MANE Select); coding-DNA positions 11533 to 11534, A inserted.
Protein change: p.Arg3845fs; shifts the reading frame from arginine 3845.
Molecular consequence: frameshift variant.
Genome position: GRCh38 VCF-style: chr5-13735854-C-CT. GRCh37 (hg19) VCF-style: chr5-13735963-C-CT.
Other names: short protein forms R3845fs.
Identifiers: ClinVar variation 5010908 (VCV005010908.1).

ClinVar aggregate classification (germline): Pathogenic (1 of 4 stars; one submission).

Conditions:
Primary ciliary dyskinesia 3. Identifiers: Orphanet 244, MedGen C1837618, MONDO:0012085, OMIM 608644.

Submission:

Myriad Genetics, Inc.
Classification: Pathogenic for Primary ciliary dyskinesia 3. Last evaluated: 2024-05-14. Review status: criteria provided, single submitter. Criteria: Myriad Autosomal Dominant, Autosomal Recessive and X-Linked Classification Criteria (2023). Collection method: clinical testing. Allele origin: unknown.
Comment: NM_001369.2(DNAH5):c.11533_11534insA(R3845Qfs*8) is expected to be pathogenic in the context of primary ciliary dyskinesia, DNAH5-related. This variant is predicted to lead to an abnormal or absent protein product due to the creation of a premature termination codon in DNAH5, a gene where loss-of-function variants are known to be pathogenic. Please note: this variant was assessed in the context of healthy population screening.